The following is an entry in ClinVar:

NM_001195263.2(PDZD7):c.2006-179ATAA[4]

Gene: PDZD7 (PDZ domain containing 7; minus strand). Cytogenetic location: 10q24.31.
Variant type: Microsatellite.
Coding change: c.2006-179ATAA[4] on transcript NM_001195263.2 (MANE Select); four copies in a row of the 4-base unit ATAA starting at c.2006-179; the reference has three copies in a row; one copy, 4 bases duplicated.
Molecular consequence: intron variant.
Genome position (GRCh38, 1-based): chr10:101,011,051-101,011,054, TTAT duplicated on the plus strand (ATAA on the coding strand, the reverse complement: PDZD7 is on the minus strand); duplicating any 4 consecutive bases within chr10:101,011,051-101,011,064 gives the same sequence; the position shown is the placement nearest the transcript's 3' end. VCF-style (leftmost placement, unchanged base first): chr10-101011050-C-CTTAT. GRCh37 (hg19) VCF-style: chr10-102770807-C-CTTAT.
Identifiers: ClinVar variation 671567 (VCV000671567.1), dbSNP rs10637176, ClinGen allele CA212979123.
Genomic context (GRCh38, chr10:101,011,050, plus strand): 5'-GCACCACTGCAGTGCGGCCCACCCACCGGGGAGGCAGACAGACATGTTCTATTAGAATCG[C>CTTAT]TTATTTATTTATTTGAGATGGAATCTCACTCTGTTGCCCAGGCGTGGTGGCGCGATTTTG-3'

ClinVar aggregate classification (germline): Benign (1 of 4 stars; one submission).

Submission:

GeneDx
Classification: Benign. Last evaluated: 2018-06-14. Review status: criteria provided, single submitter. Criteria: GeneDx Variant Classification (06012015). Collection method: clinical testing. Allele origin: germline. Affected: yes.
Comment: This variant is considered likely benign or benign based on one or more of the following criteria: it is a conservative change, it occurs at a poorly conserved position in the protein, it is predicted to be benign by multiple in silico algorithms, and/or has population frequency not consistent with disease.